The following is an entry in ClinVar:

NM_015450.3(POT1):c.1291G>A (p.Gly431Arg)

Gene: POT1 (protection of telomeres 1; minus strand). Cytogenetic location: 7q31.33.
Variant type: single nucleotide variant.
Coding change: c.1291G>A on transcript NM_015450.3 (MANE Select); coding-DNA position 1291, G replaced by A.
Protein change: p.Gly431Arg; replaces glycine 431 with arginine.
Molecular consequence: missense variant. On other transcripts: non-coding transcript variant (3).
Genome position (GRCh38, 1-based): chr7:124,841,051, C>T on the plus strand (G>A on the coding strand, the complement: POT1 is on the minus strand). VCF-style: chr7-124841051-C-T. GRCh37 (hg19) VCF-style: chr7-124481105-C-T.
Other names: c.898G>A, p.Gly300Arg (NM_001042594.2); short protein forms G300R, G431R.
Identifiers: ClinVar variation 1769113 (VCV001769113.5), dbSNP rs2485394586, ClinGen allele CA369067061.

ClinVar aggregate classification (germline): Uncertain significance. Review status: criteria provided, multiple submitters, no conflicts (2 of 4 stars). 2 submissions from 2 submitters: Uncertain significance (2). Last evaluated 2022-12-24.

Conditions:
Tumor predisposition syndrome 3 (TPDS3). Also called: Melanoma, cutaneous malignant, susceptibility to, 10; Glioma susceptibility 9; LONG TELOMERE SYNDROME, POT1-RELATED; POT1 Tumor Predisposition. Identifiers: Orphanet 618, MedGen C4014476, MONDO:0014368, OMIM 615848.
Hereditary cancer-predisposing syndrome. Also called: Hereditary Cancer Syndrome; Hereditary neoplastic syndrome; Neoplastic Syndromes, Hereditary; Tumor predisposition. Identifiers: Orphanet 140162, MedGen C0027672, MeSH D009386, MONDO:0015356.

Submissions (2):

Labcorp Genetics (formerly Invitae), Labcorp
Classification: Uncertain significance for Tumor predisposition syndrome 3. Last evaluated: 2022-12-24. Review status: criteria provided, single submitter. Criteria: Invitae Variant Classification Sherloc (09022015). Collection method: clinical testing. Allele origin: germline.
Comment: In summary, the available evidence is currently insufficient to determine the role of this variant in disease. Therefore, it has been classified as a Variant of Uncertain Significance. Advanced modeling of protein sequence and biophysical properties (such as structural, functional, and spatial information, amino acid conservation, physicochemical variation, residue mobility, and thermodynamic stability) performed at Invitae indicates that this missense variant is not expected to disrupt POT1 protein function. ClinVar contains an entry for this variant (Variation ID: 1769113). This variant has not been reported in the literature in individuals affected with POT1-related conditions. This variant is not present in population databases (gnomAD no frequency). This sequence change replaces glycine, which is neutral and non-polar, with arginine, which is basic and polar, at codon 431 of the POT1 protein (p.Gly431Arg).

Ambry Genetics
Classification: Uncertain significance for Hereditary cancer-predisposing syndrome. Last evaluated: 2021-10-21. Review status: criteria provided, single submitter. Criteria: Ambry Variant Classification Scheme 2023. Collection method: clinical testing. Allele origin: germline.
Comment: The p.G431R variant (also known as c.1291G>A), located in coding exon 10 of the POT1 gene, results from a G to A substitution at nucleotide position 1291. The glycine at codon 431 is replaced by arginine, an amino acid with dissimilar properties. This amino acid position is poorly conserved in available vertebrate species. In addition, this alteration is predicted to be tolerated by in silico analysis. Since supporting evidence is limited at this time, the clinical significance of this alteration remains unclear.